The following is an entry in ClinVar:

ClinVar aggregate classification (germline): Uncertain significance. Review status: criteria provided, multiple submitters, no conflicts (2 of 4 stars). 2 submissions from 2 submitters: Uncertain significance (2). Last evaluated 2023-10-25.

Conditions:
Hypertrophic cardiomyopathy. Also called: HYPERTROPHIC MYOCARDIOPATHY. Identifiers: Orphanet 217569, MedGen C0007194, MeSH D002312, MONDO:0005045, HP:0001639.

Submissions (2):

Blueprint Genetics
Classification: Uncertain significance. Last evaluated: 2023-10-25. Review status: criteria provided, single submitter. Criteria: ACMG Guidelines, 2015. Collection method: clinical testing. Allele origin: germline.

Labcorp Genetics (formerly Invitae), Labcorp
Classification: Uncertain significance for Hypertrophic cardiomyopathy. Last evaluated: 2018-09-14. Review status: criteria provided, single submitter. Criteria: Invitae Variant Classification Sherloc (09022015). Collection method: clinical testing. Allele origin: germline.
Comment: In summary, the available evidence is currently insufficient to determine the role of this variant in disease. Therefore, it has been classified as a Variant of Uncertain Significance. Algorithms developed to predict the effect of missense changes on protein structure and function do not agree on the potential impact of this missense change (SIFT: "Deleterious"; PolyPhen-2: "Possibly Damaging"; Align-GVGD: "Class C0"). This variant is found within a region of MYH7 between codons 181 and 937 that contains the majority of the myosin head domain. Missense variants in this region have been shown to be significantly overrepresented in individuals with hypertrophic cardiomyopathy (PMID: 27532257). This variant has not been reported in the literature in individuals with MYH7-related disease. This variant is not present in population databases (ExAC no frequency). This sequence change replaces serine with threonine at codon 260 of the MYH7 protein (p.Ser260Thr). The serine residue is highly conserved and there is a small physicochemical difference between serine and threonine.

Literature cited by the submitters: PubMed 27532257 (cited by Labcorp Genetics (formerly Invitae), Labcorp).

NM_000257.4(MYH7):c.778T>A (p.Ser260Thr)

Gene: MYH7 (myosin heavy chain 7; minus strand). Cytogenetic location: 14q11.2.
Variant type: single nucleotide variant.
Coding change: c.778T>A on transcript NM_000257.4 (MANE Select); coding-DNA position 778, T replaced by A.
Protein change: p.Ser260Thr; replaces serine 260 with threonine.
Molecular consequence: missense variant.
Genome position (GRCh38, 1-based): chr14:23,431,436, A>T on the plus strand (T>A on the coding strand, the complement: MYH7 is on the minus strand). VCF-style: chr14-23431436-A-T. GRCh37 (hg19) VCF-style: chr14-23900645-A-T.
Other names: short protein forms S260T.
Identifiers: ClinVar variation 524955 (VCV000524955.10), dbSNP rs1555338628, ClinGen allele CA389052075.